The following is an entry in ClinVar:

NM_022437.3(ABCG8):c.787C>T (p.Arg263Trp)

Gene: ABCG8 (ATP binding cassette subfamily G member 8; plus strand). Cytogenetic location: 2p21.
Variant type: single nucleotide variant.
Coding change: c.787C>T on transcript NM_022437.3 (MANE Select); coding-DNA position 787, C replaced by T.
Protein change: p.Arg263Trp; replaces arginine 263 with tryptophan.
Molecular consequence: missense variant.
Genome position (GRCh38, 1-based): chr2:43,852,691, C>T. VCF-style: chr2-43852691-C-T. GRCh37 (hg19) VCF-style: chr2-44079830-C-T.
Other names: c.787C>T, p.Arg263Trp (NM_001357321.2); c.787C>T (NM_022437.2); short protein forms R263W.
Identifiers: ClinVar variation 284758 (VCV000284758.12), dbSNP rs775957691, ClinGen allele CA1637171.

ClinVar aggregate classification (germline): Uncertain significance. Review status: criteria provided, multiple submitters, no conflicts (2 of 4 stars). 5 submissions from 5 submitters: Uncertain significance (5). Last evaluated 2024-08-12.

Conditions:
ABCG8-related disorder. Also called: ABCG8-related condition.
Sitosterolemia 1. Identifiers: MedGen C2749759, MONDO:0020747, OMIM 210250.

Allele frequency attached by ClinVar (database versions not stated): gnomAD 0.00001; ExAC 0.00002; gnomAD exomes 0.00002.

Submissions (5):

Labcorp Genetics (formerly Invitae), Labcorp
Classification: Uncertain significance. Last evaluated: 2024-08-12. Review status: criteria provided, single submitter. Criteria: Invitae Variant Classification Sherloc (09022015). Collection method: clinical testing. Allele origin: germline.
Comment: This sequence change replaces arginine, which is basic and polar, with tryptophan, which is neutral and slightly polar, at codon 263 of the ABCG8 protein (p.Arg263Trp). This variant is present in population databases (rs775957691, gnomAD 0.003%). This variant has not been reported in the literature in individuals affected with ABCG8-related conditions. ClinVar contains an entry for this variant (Variation ID: 284758). Advanced modeling of protein sequence and biophysical properties (such as structural, functional, and spatial information, amino acid conservation, physicochemical variation, residue mobility, and thermodynamic stability) performed at Invitae indicates that this missense variant is expected to disrupt ABCG8 protein function with a positive predictive value of 80%. This variant disrupts the p.Arg263 amino acid residue in ABCG8. Other variant(s) that disrupt this residue have been determined to be pathogenic (PMID: 11452359, 24166850, 24657386, 29886606). This suggests that this residue is clinically significant, and that variants that disrupt this residue are likely to be disease-causing. In summary, the available evidence is currently insufficient to determine the role of this variant in disease. Therefore, it has been classified as a Variant of Uncertain Significance.

PreventionGenetics, part of Exact Sciences
Classification: Uncertain significance for ABCG8-related condition. Last evaluated: 2023-08-31. Review status: criteria provided, single submitter. Criteria: ACMG Guidelines, 2015. Collection method: clinical testing. Allele origin: germline.
Comment: The ABCG8 c.787C>T variant is predicted to result in the amino acid substitution p.Arg263Trp. To our knowledge, this variant has not been reported in the literature. This variant is reported in 0.0033% of alleles in individuals of South Asian descent in gnomAD. Other variant at this codon c.Arg263Gln has been reported in compound heterozygous state in multiple individuals with sitosterolemia (Hansel et al. 2014. PubMed ID: 24657386; Lu et al. 2001. PubMed ID: 11452359; Fang et al. 2018. PubMed ID: 29886606; Wang et al. 2014. PubMed ID: 24166850). At this time, the clinical significance of this variant is uncertain due to the absence of conclusive functional and genetic evidence.

Revvity Omics, Revvity
Classification: Uncertain significance for Sitosterolemia 1. Last evaluated: 2023-08-30. Review status: criteria provided, single submitter. Criteria: ACMG Guidelines, 2015. Collection method: clinical testing. Allele origin: germline.

Women's Health and Genetics/Laboratory Corporation of America, LabCorp
Classification: Uncertain significance. Last evaluated: 2023-08-07. Review status: criteria provided, single submitter. Criteria: LabCorp Variant Classification Summary - May 2015. Collection method: clinical testing. Allele origin: germline.

Eurofins Ntd Llc (ga)
Classification: Uncertain significance. Last evaluated: 2015-12-17. Review status: criteria provided, single submitter. Criteria: EGL Classification Definitions 2015. Collection method: clinical testing. Allele origin: germline. Observed: 1 variant allele, 1 heterozygote.

Literature cited by the submitters: PubMed 11452359 (cited by Labcorp Genetics (formerly Invitae), Labcorp); PubMed 24166850 (cited by Labcorp Genetics (formerly Invitae), Labcorp); PubMed 24657386 (cited by Labcorp Genetics (formerly Invitae), Labcorp); PubMed 29886606 (cited by Labcorp Genetics (formerly Invitae), Labcorp).